The following is an entry in ClinVar:

NM_016366.3(CABP2):c.590T>C (p.Ile197Thr)

Gene: CABP2 (calcium binding protein 2; minus strand). Cytogenetic location: 11q13.2.
Variant type: single nucleotide variant.
Coding change: c.590T>C on transcript NM_016366.3 (MANE Select); coding-DNA position 590, T replaced by C.
Protein change: p.Ile197Thr; replaces isoleucine 197 with threonine.
Molecular consequence: missense variant.
Genome position (GRCh38, 1-based): chr11:67,519,840, A>G on the plus strand (T>C on the coding strand, the complement: CABP2 is on the minus strand). VCF-style: chr11-67519840-A-G. GRCh37 (hg19) VCF-style: chr11-67287311-A-G.
Other names: c.608T>C, p.Ile203Thr (NM_001318496.2); short protein forms I203T, I197T.
Identifiers: ClinVar variation 667198 (VCV000667198.27), dbSNP rs145369252, ClinGen allele CA6142374.

ClinVar aggregate classification (germline): Conflicting classifications of pathogenicity. Review status: criteria provided, conflicting classifications (1 of 4 stars). 10 submissions from 10 submitters: Pathogenic (1); Likely pathogenic (1); Uncertain significance (7). 1 of the submissions does not count toward it. Last evaluated 2026-09-17.

Conditions:
CABP2-related disorder. Also called: CABP2-related condition.
Autosomal recessive nonsyndromic hearing loss 93. Also called: Deafness, autosomal recessive 93. Identifiers: Orphanet 90636, MedGen C3888355, MONDO:0013963, OMIM 614899.
Nonsyndromic genetic hearing loss. Also called: Nonsyndromic hearing loss and deafness; Nonsyndromic genetic deafness; Non-syndromic genetic deafness. Identifiers: Orphanet 87884, MedGen C5680182, MONDO:0019497.

Allele frequency attached by ClinVar (database versions not stated): ESP Exome Variant Server 0.00023; gnomAD exomes 0.00031 and 0.00034; ExAC 0.00033; gnomAD 0.00065 and 0.00068; 1000 Genomes Project 0.00080; 1000 Genomes Project 30x 0.00094; TOPMed 0.00103.
gnomAD v4.1: 609 of 1,613,984 alleles (0.038%); highest among the groups gnomAD compares: Middle Eastern, 0.26%; 1 homozygote.

Submissions (10):

PreventionGenetics, part of Exact Sciences
Classification: Uncertain significance for CABP2-related condition. Last evaluated: 2026-09-17. Review status: criteria provided, single submitter. Criteria: ACMG Guidelines, 2015. Collection method: clinical testing. Allele origin: germline.
Comment: The CABP2 c.590T>C variant is predicted to result in the amino acid substitution p.Ile197Thr. This variant has been reported in the homozygous state in three individuals (including one sibling pair) with non-syndromic hearing loss (Table S1, Peart et al. 2023. PubMed ID: 37996878; Nawaz et al. 2024. PubMed ID: 38192829). Additionally, two p.Ile197Thr alleles have been reported in a cohort of Iranian individuals with hearing loss; however, insufficient information was provided to confirm variant zygosity and no further evidence was presented to support its pathogenicity (Table S4, Sloan-Heggen et al. 2015. PubMed ID: 26445815). This variant is reported in 0.049% of alleles in individuals of European (Non-Finnish) descent in gnomAD. Although we suspect that this variant may be pathogenic, at this time, the clinical significance of this variant is uncertain due to the absence of conclusive functional and genetic evidence.

GeneDx
Classification: Uncertain significance. Last evaluated: 2026-08-12. Review status: criteria provided, single submitter. Criteria: GeneDx Variant Classification Process June 2021. Collection method: clinical testing. Allele origin: germline.
Comment: Observed in apparent homozygous state in several unrelated patients with hearing loss referred for genetic testing at GeneDx and in published literature; however, also observed in several homozygous clinically unaffected adult relatives of individuals referred for genetic testing at GeneDx (PMID: 38192829, 37996878); Identified in association with nonsyndromic hearing loss in an additional publication, however, no patient-specific information is available (PMID: 26445815); In silico analysis supports that this missense variant has a deleterious effect on protein structure/function; This variant is associated with the following publications: (PMID: 38192829, 37996878, 26445815)

Labcorp Genetics (formerly Invitae), Labcorp
Classification: Pathogenic. Last evaluated: 2025-11-22. Review status: criteria provided, single submitter. Criteria: Invitae Variant Classification Sherloc (09022015). Collection method: clinical testing. Allele origin: germline.
Comment: This sequence change replaces isoleucine, which is neutral and non-polar, with threonine, which is neutral and polar, at codon 197 of the CABP2 protein (p.Ile197Thr). This variant is present in population databases (rs145369252, gnomAD 0.05%). This missense change has been observed in individual(s) with nonsyndromic deafness (PMID: 26445815; external communication, internal data). In at least one individual the data is consistent with being in trans (on the opposite chromosome) from a pathogenic variant. ClinVar contains an entry for this variant (Variation ID: 667198). An algorithm developed to predict the effect of missense changes on protein structure and function (PolyPhen-2) suggests that this variant is likely to be disruptive. For these reasons, this variant has been classified as Pathogenic.

First Genomix Gene Laboratory, Genetic Diagnostics Department
Classification: Likely pathogenic for Autosomal recessive nonsyndromic hearing loss 93. Last evaluated: 2025-09-17. Review status: criteria provided, single submitter. Criteria: ACMG Guidelines, 2015. Collection method: clinical testing. Allele origin: germline. Inheritance: Autosomal recessive inheritance. Affected: no. Observed: 1 variant allele.

Blueprint Genetics
Classification: Uncertain significance. Last evaluated: 2024-11-27. Review status: criteria provided, single submitter. Criteria: ACMG Guidelines, 2015. Collection method: clinical testing. Allele origin: germline.

Daryl Scott Lab, Baylor College of Medicine
Classification: Uncertain significance for Autosomal recessive nonsyndromic hearing loss 93. Last evaluated: 2023-11-10. Review status: criteria provided, single submitter. Criteria: ACMG Guidelines, 2015. Collection method: clinical testing. Allele origin: biparental. Observed: 2 homozygotes.

Department of Pathology and Laboratory Medicine, Sinai Health System
Classification: Uncertain significance for nonsyndromic genetic hearing loss. Last evaluated: 2023-04-23. Review status: criteria provided, single submitter. Criteria: ACMG Guidelines, 2015. Collection method: research. Allele origin: germline.

Laboratory for Molecular Medicine, Mass General Brigham Personalized Medicine
Classification: Uncertain significance. Last evaluated: 2018-09-13. Review status: criteria provided, single submitter. Criteria: LMM Criteria. Collection method: clinical testing. Allele origin: germline. Observed: 1 variant allele.
Comment: The p.Ile197Thr variant in CABP2 has been reported in the homozygous state in 1 individual with hearing loss (Sloan-Heggen 2015). It has also been identified in 0.05% (66/126628) of European chromosomes by the Genome Aggregation Database (g nomAD). Computational prediction tools and co nservation analysis do not provide strong support for or against an impact to th e protein. In summary, the clinical significance of the p.Ile197Thr variant is u ncertain. ACMG/AMP Criteria applied: PM3_Supporting, PM2_Supporting.

Genetics Research Center, University of Social Welfare and Rehabilitation Sciences
Classification: Uncertain significance for Autosomal recessive nonsyndromic hearing loss 93. Review status: criteria provided, single submitter. Criteria: ACMG Guidelines, 2015. Collection method: research. Allele origin: germline. Affected: yes.
Comment: The variant is present in the gnomAD v2.1.1 dataset at a very low allele frequency (0.03%) and has been previously reported in individual(s) affected with CABP2-related hearing loss (PMID:38192829, 26445815). The variant is predicted to be damaging by multiple in-silico tools.

Institute of Human Genetics, University of Ulm
Classification: Likely pathogenic for Autosomal recessive nonsyndromic hearing loss 93. Last evaluated: 2020-02-13. Review status: no assertion criteria provided. Collection method: research. Allele origin: germline. Inheritance: Autosomal recessive inheritance. Affected: yes. Observed: 2 variant alleles, 2 homozygotes. Not counted in ClinVar's aggregate classification.

Literature cited by the submitters: PubMed 26445815 (cited by 3 submitters); PubMed 38192829 (cited by Genetics Research Center, University of Social Welfare and Rehabilitation Sciences).